The following is an entry in ClinVar:

NM_005499.3(UBA2):c.816_817del (p.Trp273fs)

Gene: UBA2 (ubiquitin like modifier activating enzyme 2; plus strand). Cytogenetic location: 19q13.11.
Variant type: Deletion.
Coding change: c.816_817del on transcript NM_005499.3 (MANE Select); coding-DNA positions 816 to 817, 2 bases deleted (AT; older notation c.816_817delAT).
Protein change: p.Trp273fs; shifts the reading frame from tryptophan 273.
Molecular consequence: frameshift variant.
Genome position (GRCh38, 1-based): chr19:34,450,309-34,450,310, AT deleted; deleting any 2 consecutive bases within chr19:34,450,308-34,450,310 gives the same sequence; the c. name uses the placement nearest the transcript's 3' end. VCF-style (leftmost placement, unchanged base first): chr19-34450307-CTA-C. GRCh37 (hg19) VCF-style: chr19-34941212-CTA-C.
Other names: short protein forms W273fs.
Identifiers: ClinVar variation 521193 (VCV000521193.6), dbSNP rs1555729503, ClinGen allele CA658799183.
Genomic context (GRCh38, chr19:34,450,307, plus strand): 5'-CTGTCTTTCTTTTGTAAGCTTTTTAAAGATGACATCAGGTATCTGTTGACAATGGACAAA[CTA>C]TGGCGGAAAAGGAAACCTCCAGTTCCGTTGGACTGGGCTGAAGTACAAAGTCAAGGTAAA-3'

ClinVar aggregate classification (germline): Pathogenic. Review status: criteria provided, single submitter (1 of 4 stars). 2 submissions from 2 submitters: Pathogenic (1). 1 of the submissions does not count toward it. Last evaluated 2023-05-06.

Conditions:
Inborn genetic diseases. Identifiers: MedGen C0950123, MeSH D030342.
ACCES syndrome (ACCES). Also called: APLASIA CUTIS CONGENITA WITH ECTRODACTYLY SKELETAL SYNDROME. Identifiers: MedGen C5677019, MONDO:0859262, OMIM 619959.

Submissions (2):

Ambry Genetics
Classification: Pathogenic for Inborn genetic diseases. Last evaluated: 2023-05-06. Review status: criteria provided, single submitter. Criteria: Ambry Variant Classification Scheme 2023. Collection method: clinical testing. Allele origin: germline.
Comment: The c.816_817delAT (p.W273Afs*13) alteration, located in exon 9 (coding exon 9) of the UBA2 gene, consists of a deletion of 2 nucleotides from position 816 to 817, causing a translational frameshift with a predicted alternate stop codon after 13 amino acids. This alteration is expected to result in loss of function by premature protein truncation or nonsense-mediated mRNA decay. This variant was not reported in population-based cohorts in the Genome Aggregation Database (gnomAD). This alteration has been reported to segregate with disease in a family with features of ACCES syndrome (Schnur, 2021). Based on the available evidence, this alteration is classified as pathogenic.

OMIM
Classification: Pathogenic for ACCES SYNDROME. Last evaluated: 2022-07-14. Review status: no assertion criteria provided. Collection method: literature only. Allele origin: germline. Not counted in ClinVar's aggregate classification.

Literature cited by the submitters: PubMed 34040189 (cited by Ambry Genetics and OMIM).